The following is an entry in ClinVar:

NM_006947.4(SRP72):c.1469C>T (p.Ala490Val)

Gene: SRP72 (signal recognition particle 72; plus strand). Cytogenetic location: 4q12.
Variant type: single nucleotide variant.
Coding change: c.1469C>T on transcript NM_006947.4 (MANE Select); coding-DNA position 1469, C replaced by T.
Protein change: p.Ala490Val; replaces alanine 490 with valine.
Molecular consequence: missense variant. On other transcripts: non-coding transcript variant (1).
Genome position (GRCh38, 1-based): chr4:56,490,612, C>T. VCF-style: chr4-56490612-C-T. GRCh37 (hg19) VCF-style: chr4-57356778-C-T.
Other names: c.1286C>T, p.Ala429Val (NM_001267722.2); short protein forms A429V, A490V.
Identifiers: ClinVar variation 5030246 (VCV005030246.1).

ClinVar aggregate classification (germline): Uncertain significance (1 of 4 stars; one submission).

gnomAD v4.1: 1 of 1,613,854 alleles (0.000062%); highest among the groups gnomAD compares: Non-Finnish European, 0.000085%; no homozygotes.

Submission:

Ambry Genetics
Classification: Uncertain significance. Last evaluated: 2026-08-11. Review status: criteria provided, single submitter. Criteria: Ambry Variant Classification Scheme 2023. Collection method: clinical testing. Allele origin: germline.
Comment: The p.A490V variant (also known as c.1469C>T), located in coding exon 15 of the SRP72 gene, results from a C to T substitution at nucleotide position 1469. The alanine at codon 490 is replaced by valine, an amino acid with similar properties. This amino acid position is conserved. In addition, this alteration is predicted to be deleterious by in silico analysis. Based on the available evidence, the clinical significance of this variant remains unclear.